The following is an entry in ClinVar:

ClinVar aggregate classification (germline): Uncertain significance (1 of 4 stars; one submission).

Conditions:
Diamond-Blackfan anemia. Also called: Blackfan Diamond syndrome; Aregenerative anemia chronic congenital; Red cell aplasia, pure hereditary; Congenital hypoplastic anemia; Aase syndrome. Identifiers: Orphanet 124, MedGen C1260899, MeSH D029503, MONDO:0015253, HP:0004810.
GATA binding protein 1 related thrombocytopenia with dyserythropoiesis. Also called: GATA1-Related X-Linked Cytopenia; GATA1-Related Cytopenia. Identifiers: MedGen C1845837, MONDO:0100089.

Allele frequency attached by ClinVar (database versions not stated): gnomAD exomes below 0.00001; ExAC 0.00001.

Submission:

Labcorp Genetics (formerly Invitae), Labcorp
Classification: Uncertain significance for GATA binding protein 1 related thrombocytopenia with dyserythropoiesis; Diamond-Blackfan anemia. Last evaluated: 2023-03-29. Review status: criteria provided, single submitter. Criteria: Invitae Variant Classification Sherloc (09022015). Collection method: clinical testing. Allele origin: germline.
Comment: This sequence change replaces leucine, which is neutral and non-polar, with proline, which is neutral and non-polar, at codon 387 of the GATA1 protein (p.Leu387Pro). This variant is present in population databases (rs782397894, gnomAD 0.001%). This variant has not been reported in the literature in individuals affected with GATA1-related conditions. ClinVar contains an entry for this variant (Variation ID: 1937672). An algorithm developed to predict the effect of missense changes on protein structure and function (PolyPhen-2) suggests that this variant is likely to be disruptive. In summary, the available evidence is currently insufficient to determine the role of this variant in disease. Therefore, it has been classified as a Variant of Uncertain Significance.

NM_002049.4(GATA1):c.1160T>C (p.Leu387Pro)

Gene: GATA1 (GATA binding protein 1; plus strand). Cytogenetic location: Xp11.23.
Variant type: single nucleotide variant.
Coding change: c.1160T>C on transcript NM_002049.4 (MANE Select); coding-DNA position 1160, T replaced by C.
Protein change: p.Leu387Pro; replaces leucine 387 with proline.
Molecular consequence: missense variant.
Genome position (GRCh38, 1-based): chrX:48,794,082, T>C. VCF-style: chrX-48794082-T-C. GRCh37 (hg19) VCF-style: chrX-48652489-T-C.
Other names: short protein forms L387P.
Identifiers: ClinVar variation 1937672 (VCV001937672.5), dbSNP rs782397894, ClinGen allele CA10404706.